The following is an entry in ClinVar:

NM_003573.2(LTBP4):c.17-1964C>T

Gene: LTBP4 (latent transforming growth factor beta binding protein 4; plus strand). Cytogenetic location: 19q13.2.
Variant type: single nucleotide variant.
Coding change: c.17-1964C>T on transcript NM_003573.2; 1964 bases into the intron before coding-DNA position 17, C replaced by T.
Molecular consequence: intron variant.
Genome position (GRCh38, 1-based): chr19:40,597,233, C>T. VCF-style: chr19-40597233-C-T. GRCh37 (hg19) VCF-style: chr19-41103139-C-T.
Identifiers: ClinVar variation 3352277 (VCV003352277.1).

ClinVar aggregate classification (germline): Likely benign (0 of 4 stars; one submission).

Conditions:
LTBP4-related disorder. Also called: LTBP4-related condition.

gnomAD v4.1: 13 of 1,488,624 alleles (0.00087%); highest among the groups gnomAD compares: South Asian, 0.0025%; no homozygotes.

Submission:

PreventionGenetics, part of Exact Sciences
Classification: Likely benign for LTBP4-related condition. Last evaluated: 2023-12-15. Review status: no assertion criteria provided. Collection method: clinical testing. Allele origin: germline.
Comment: This variant is classified as likely benign based on ACMG/AMP sequence variant interpretation guidelines (Richards et al. 2015 PMID: 25741868, with internal and published modifications).